The following is an entry in ClinVar:

ClinVar aggregate classification (germline): Uncertain significance (1 of 4 stars; one submission).

Allele frequency attached by ClinVar (database versions not stated): TOPMed below 0.00001.

Submission:

Labcorp Genetics (formerly Invitae), Labcorp
Classification: Uncertain significance. Last evaluated: 2022-10-07. Review status: criteria provided, single submitter. Criteria: Invitae Variant Classification Sherloc (09022015). Collection method: clinical testing. Allele origin: germline.
Comment: This sequence change replaces glutamic acid, which is acidic and polar, with lysine, which is basic and polar, at codon 754 of the MYLK3 protein (p.Glu754Lys). This variant is not present in population databases (gnomAD no frequency). This variant has not been reported in the literature in individuals affected with MYLK3-related conditions. Algorithms developed to predict the effect of missense changes on protein structure and function are either unavailable or do not agree on the potential impact of this missense change (SIFT: "Tolerated"; PolyPhen-2: "Probably Damaging"; Align-GVGD: "Class C0"). In summary, the available evidence is currently insufficient to determine the role of this variant in disease. Therefore, it has been classified as a Variant of Uncertain Significance.

NM_182493.3(MYLK3):c.2260G>A (p.Glu754Lys)

Gene: MYLK3 (myosin light chain kinase 3; minus strand). Cytogenetic location: 16q11.2.
Variant type: single nucleotide variant.
Coding change: c.2260G>A on transcript NM_182493.3 (MANE Select); coding-DNA position 2260, G replaced by A.
Protein change: p.Glu754Lys; replaces glutamic acid 754 with lysine.
Molecular consequence: missense variant.
Genome position (GRCh38, 1-based): chr16:46,710,644, C>T on the plus strand (G>A on the coding strand, the complement: MYLK3 is on the minus strand). VCF-style: chr16-46710644-C-T. GRCh37 (hg19) VCF-style: chr16-46744556-C-T.
Other names: c.1237G>A, p.Glu413Lys (NM_001308301.1); short protein forms E413K, E754K.
Identifiers: ClinVar variation 2111295 (VCV002111295.4), dbSNP rs1388652902, ClinGen allele CA395786393.
Genomic context (GRCh38, chr16:46,710,644, plus strand): 5'-AGACCTGGGGTCCCCATCAGAAGGGCCCATGAGTGACAAGCAATGAAAGGTACCTCTTCT[C>T]TTTGACCAGCAACCGGGAAACAAAGTCCTTGGCCTCCTCCGAGAGCCCTTCAAAGGTGTC-3'
Protein context (NP_872299.2, residues 744-764): KDFVSRLLVK[Glu754Lys]KSCRMSATQC